The following is an entry in ClinVar:

ClinVar aggregate classification (germline): Pathogenic/Likely pathogenic. Review status: criteria provided, multiple submitters, no conflicts (2 of 4 stars). 2 submissions from 2 submitters: Pathogenic (1); Likely pathogenic (1). Last evaluated 2024-06-11.

Conditions:
Combined deficiency of sialidase AND beta galactosidase (GSL). Also called: CATHEPSIN A DEFICIENCY; GOLDBERG SYNDROME; NEURAMINIDASE DEFICIENCY WITH BETA-GALACTOSIDASE DEFICIENCY; NEURAMINIDASE/BETA-GALACTOSIDASE EXPRESSION; PPCA DEFICIENCY; PROTECTIVE PROTEIN/CATHEPSIN A DEFICIENCY. Identifiers: Orphanet 351, MedGen C0268233, MONDO:0009737, OMIM 256540.

Submissions (2):

Fulgent Genetics
Classification: Likely pathogenic for Combined deficiency of sialidase AND beta galactosidase. Last evaluated: 2024-06-11. Review status: criteria provided, single submitter. Criteria: ACMG Guidelines, 2015. Collection method: clinical testing. Allele origin: germline.

Labcorp Genetics (formerly Invitae), Labcorp
Classification: Pathogenic for Combined deficiency of sialidase AND beta galactosidase. Last evaluated: 2023-09-13. Review status: criteria provided, single submitter. Criteria: Invitae Variant Classification Sherloc (09022015). Collection method: clinical testing. Allele origin: germline.
Comment: For these reasons, this variant has been classified as Pathogenic. This variant has not been reported in the literature in individuals affected with CTSA-related conditions. This variant is present in population databases (no rsID available, gnomAD 0.01%). This sequence change creates a premature translational stop signal (p.Ser227Leufs*3) in the CTSA gene. It is expected to result in an absent or disrupted protein product. Loss-of-function variants in CTSA are known to be pathogenic (PMID: 15110321, 23915561).

Literature cited by the submitters: PubMed 15110321 (cited by Labcorp Genetics (formerly Invitae), Labcorp); PubMed 23915561 (cited by Labcorp Genetics (formerly Invitae), Labcorp).

NM_000308.4(CTSA):c.625_626del (p.Ser209fs)

Gene: CTSA (cathepsin A; plus strand). Cytogenetic location: 20q13.12.
Variant type: Microsatellite.
Coding change: c.625_626del on transcript NM_000308.4 (MANE Select); coding-DNA positions 625 to 626, 2 bases deleted (TC; older notation c.625_626delTC).
Protein change: p.Ser209fs; shifts the reading frame from serine 209.
Molecular consequence: frameshift variant. On other transcripts: non-coding transcript variant (1).
Genome position (GRCh38, 1-based): chr20:45,893,244-45,893,245, TC deleted; deleting any 2 consecutive bases within chr20:45,893,241-45,893,245 gives the same sequence; the c. name uses the placement nearest the transcript's 3' end. VCF-style (leftmost placement, unchanged base first): chr20-45893240-ACT-A. GRCh37 (hg19) VCF-style: chr20-44521879-ACT-A.
Other names: c.625_626del, p.Ser209fs (NM_001127695.3); c.574_575del, p.Ser192fs (NM_001167594.3); short protein forms S192fs, S209fs.
Identifiers: ClinVar variation 2996664 (VCV002996664.4), dbSNP rs1180450281, ClinGen allele CA636175948.